The following is an entry in ClinVar:

ClinVar aggregate classification (germline): Pathogenic (1 of 4 stars; one submission).

Conditions:
Finnish congenital nephrotic syndrome (NPHS1). Also called: NEPHROTIC SYNDROME, TYPE 1. Identifiers: Orphanet 839, MedGen C0403399, MONDO:0009732, OMIM 256300.

Submission:

Myriad Genetics, Inc.
Classification: Pathogenic for Finnish congenital nephrotic syndrome. Last evaluated: 2026-03-12. Review status: criteria provided, single submitter. Criteria: Myriad Autosomal Dominant, Autosomal Recessive and X-Linked Classification Criteria (2023). Collection method: clinical testing. Allele origin: unknown.
Comment: NM_004646.3(NPHS1):c.2791delA(T931Pfs*17) is expected to be pathogenic in the context of nephrotic syndrome, NPHS1-related. This variant is predicted to lead to an abnormal or absent protein product due to the creation of a premature termination codon in NPHS1, a gene where loss-of-function variants are known to be pathogenic. Please note: this variant was assessed in the context of healthy population screening.

NM_004646.4(NPHS1):c.2791del (p.Thr931fs)

Gene: NPHS1 (NPHS1 adhesion molecule, nephrin; minus strand). Cytogenetic location: 19q13.12.
Variant type: Deletion.
Coding change: c.2791del on transcript NM_004646.4 (MANE Select); coding-DNA position 2791, one base deleted (A; older notation c.2791delA).
Protein change: p.Thr931fs; shifts the reading frame from threonine 931.
Molecular consequence: frameshift variant.
Genome position (GRCh38, 1-based): chr19:35,841,739, T deleted on the plus strand (A on the coding strand, the reverse complement: NPHS1 is on the minus strand); the first of 3 consecutive T bases (chr19:35,841,739-35,841,741); deleting any one gives the same sequence. VCF-style (leftmost placement, unchanged base first): chr19-35841738-GT-G. GRCh37 (hg19) VCF-style: chr19-36332640-GT-G.
Other names: short protein forms T931fs.
Identifiers: ClinVar variation 5015671 (VCV005015671.1).